The following is an entry in ClinVar:

ClinVar aggregate classification (germline): Uncertain significance (1 of 4 stars; one submission).

Conditions:
Cardiovascular phenotype. Identifiers: MedGen CN230736.
Hereditary cancer-predisposing syndrome. Also called: Neoplastic Syndromes, Hereditary; Tumor predisposition; Hereditary Cancer Syndrome; Hereditary neoplastic syndrome. Identifiers: Orphanet 140162, MedGen C0027672, MeSH D009386, MONDO:0015356.

Submission:

Ambry Genetics
Classification: Uncertain significance for Cardiovascular phenotype; Hereditary cancer-predisposing syndrome. Last evaluated: 2018-06-27. Review status: criteria provided, single submitter. Criteria: Ambry Variant Classification Scheme 2023. Collection method: clinical testing. Allele origin: germline.
Comment: The p.G2541R variant (also known as c.7621G>A), located in coding exon 51 of the NF1 gene, results from a G to A substitution at nucleotide position 7621. The glycine at codon 2541 is replaced by arginine, an amino acid with dissimilar properties. This amino acid position is highly conserved in available vertebrate species. In addition, the in silico prediction for this alteration is inconclusive. Since supporting evidence is limited at this time, the clinical significance of this alteration remains unclear.

NM_001042492.3(NF1):c.7684G>A (p.Gly2562Arg)

Gene: NF1 (neurofibromin 1; plus strand). Cytogenetic location: 17q11.2.
Variant type: single nucleotide variant.
Coding change: c.7684G>A on transcript NM_001042492.3 (MANE Select); coding-DNA position 7684, G replaced by A.
Protein change: p.Gly2562Arg; replaces glycine 2562 with arginine.
Molecular consequence: missense variant.
Genome position (GRCh38, 1-based): chr17:31,356,528, G>A. VCF-style: chr17-31356528-G-A. GRCh37 (hg19) VCF-style: chr17-29683546-G-A.
Other names: c.7621G>A, p.Gly2541Arg (NM_000267.4); short protein forms G2562R, G2541R.
Identifiers: ClinVar variation 481989 (VCV000481989.5), dbSNP rs1555536647, ClinGen allele CA399018125.